The following is an entry in ClinVar:

ClinVar aggregate classification (germline): Conflicting classifications of pathogenicity. Review status: criteria provided, conflicting classifications (1 of 4 stars). 4 submissions from 4 submitters: Uncertain significance (1); Likely benign (3). Last evaluated 2026-01-09.

Conditions:
TECPR2-related disorder. Also called: TECPR2-related condition.
Hereditary spastic paraplegia 49 (HSAN9). Also called: Spastic paraplegia 49, autosomal recessive; TECPR2-Related Hereditary Sensory and Autonomic Neuropathy with Intellectual Disability; NEUROPATHY, HEREDITARY SENSORY AND AUTONOMIC, TYPE IX, WITH DEVELOPMENTAL DELAY. Identifiers: Orphanet 320385, MedGen C5190860, MONDO:0014016, OMIM 615031.
Hereditary spastic paraplegia. Also called: Familial spastic paraparesis. Identifiers: Orphanet 685, MedGen C0037773, MONDO:0019064. Disease mechanism: loss of function.

Allele frequency attached by ClinVar (database versions not stated): TOPMed 0.00002; ESP Exome Variant Server 0.00008; gnomAD 0.00009; ExAC 0.00010.
gnomAD v4.1: 111 of 1,609,588 alleles (0.0069%); highest among the groups gnomAD compares: South Asian, 0.02%; 1 homozygote.

Submissions (4):

Labcorp Genetics (formerly Invitae), Labcorp
Classification: Likely benign for Hereditary spastic paraplegia 49. Last evaluated: 2026-01-09. Review status: criteria provided, single submitter. Criteria: Invitae Variant Classification Sherloc (09022015). Collection method: clinical testing. Allele origin: germline.

CeGaT Center for Human Genetics Tuebingen
Classification: Likely benign. Last evaluated: 2025-12-01. Review status: criteria provided, single submitter. Criteria: CeGaT Center For Human Genetics Tuebingen Variant Classification Criteria Version 2. Collection method: clinical testing. Allele origin: germline. Affected: yes. Observed: 1 variant allele.
Comment: TECPR2: BP4, BP7

PreventionGenetics, part of Exact Sciences
Classification: Likely benign for TECPR2-related condition. Last evaluated: 2025-06-26. Review status: criteria provided, single submitter. Criteria: ACMG Guidelines, 2015. Collection method: clinical testing. Allele origin: germline.
Comment: This variant is classified as likely benign based on ACMG/AMP sequence variant interpretation guidelines (Richards et al. 2015 PMID: 25741868, with internal and published modifications).

Genome Diagnostics Laboratory, The Hospital for Sick Children
Classification: Uncertain significance for Hereditary spastic paraplegia. Last evaluated: 2017-10-02. Review status: criteria provided, single submitter. Criteria: ACMG Guidelines, 2015. Collection method: clinical testing. Allele origin: germline. Affected: yes.

NM_014844.5(TECPR2):c.3582G>A (p.Thr1194=)

Gene: TECPR2 (tectonin beta-propeller repeat containing 2; plus strand). Cytogenetic location: 14q32.31.
Variant type: single nucleotide variant.
Coding change: c.3582G>A on transcript NM_014844.5 (MANE Select); coding-DNA position 3582, G replaced by A.
Protein change: p.Thr1194=; no amino-acid change (threonine 1194 retained).
Molecular consequence: synonymous variant.
Genome position (GRCh38, 1-based): chr14:102,452,569, G>A. VCF-style: chr14-102452569-G-A. GRCh37 (hg19) VCF-style: chr14-102918906-G-A.
Other names: c.3582G>A, p.Thr1194= (NM_001172631.3).
Identifiers: ClinVar variation 696689 (VCV000696689.20), dbSNP rs372271880, ClinGen allele CA7358282.
Genomic context (GRCh38, chr14:102,452,569, plus strand): 5'-TGCCGCCTGCCAGGATGCGCTGTGGGCGCTGGACAGCCTCGGCCAGGTGTTCATCAGGAC[G>A]CTCTCCAAGAGCTGCCCCACGGGCATGCACTGGACCAGGCTGGACCTCTCCCAGCTAGGT-3'
Protein context (NP_055659.2, residues 1184-1204): LDSLGQVFIR[Thr1194=]LSKSCPTGMH